The following is an entry in ClinVar:

ClinVar aggregate classification (germline): Likely pathogenic. Review status: criteria provided, multiple submitters, no conflicts (2 of 4 stars). 3 submissions from 3 submitters: Likely pathogenic (3). Last evaluated 2025-06-25.

Conditions:
Hereditary cancer-predisposing syndrome. Also called: Neoplastic Syndromes, Hereditary; Hereditary Cancer Syndrome; Tumor predisposition; Hereditary neoplastic syndrome. Identifiers: Orphanet 140162, MedGen C0027672, MeSH D009386, MONDO:0015356.
Ataxia-telangiectasia syndrome (AT). Also called: Cerebello-oculocutaneous telangiectasia; Immunodeficiency with ataxia telangiectasia; ATAXIA-TELANGIECTASIA, COMPLEMENTATION GROUP A; ATAXIA-TELANGIECTASIA, FRESNO VARIANT; Ataxia-telangiectasia, complementation group E; LOUIS-BAR SYNDROME. Identifiers: Orphanet 100, MedGen C0004135, MONDO:0008840, OMIM 208900.

Submissions (3):

GeneKor MSA
Classification: Likely pathogenic for Hereditary cancer-predisposing syndrome. Last evaluated: 2025-06-25. Review status: criteria provided, single submitter. Criteria: ACMG Guidelines, 2015. Collection method: clinical testing. Allele origin: germline. Affected: yes.
Comment: This mutation occurs in the first nucleotide of intron 27 in ATM gene. This position is highly conserved in the human and other genomes and might be involved in mRNA processing. Therefore, this mutation is expected to disrupt RNA splicing and likely results in an absent or disrupted protein product. Truncating variants in ATM are known to be pathogenic. The mutation database ClinVar does not contain an entry for this variant, however an other splicing alteration located on the same nucleotide position is characterized as likely pathogenic (c.4109+1G>T, Variation ID:245985). For these reasons this variant has been classified as likely pathogenic.

Labcorp Genetics (formerly Invitae), Labcorp
Classification: Likely pathogenic for Ataxia-telangiectasia syndrome. Last evaluated: 2025-06-03. Review status: criteria provided, single submitter. Criteria: Invitae Variant Classification Sherloc (09022015). Collection method: clinical testing. Allele origin: germline.
Comment: This sequence change affects a donor splice site in intron 27 of the ATM gene. RNA analysis indicates that disruption of this splice site induces altered splicing and may result in an absent or altered protein product. This variant is not present in population databases (gnomAD no frequency). This variant has not been reported in the literature in individuals affected with ATM-related conditions. ClinVar contains an entry for this variant (Variation ID: 1511460). Studies have shown that disruption of this splice site results in skipping of exon 27 and partial intron retention, and produces a non-functional protein and/or introduces a premature termination codon (internal data). In summary, the currently available evidence indicates that the variant is pathogenic, but additional data are needed to prove that conclusively. Therefore, this variant has been classified as Likely Pathogenic.

Ambry Genetics
Classification: Likely pathogenic for Hereditary cancer-predisposing syndrome. Last evaluated: 2022-05-24. Review status: criteria provided, single submitter. Criteria: Ambry Variant Classification Scheme 2023. Collection method: clinical testing. Allele origin: germline.
Comment: The c.4109+1G>A intronic variant results from a G to A substitution one nucleotide after coding exon 26 of the ATM gene. This nucleotide position is highly conserved in available vertebrate species. Alterations that disrupt the canonical splice site are expected to cause aberrant splicing, resulting in an abnormal protein or a transcript that is subject to nonsense-mediated mRNA decay. RNA studies have demonstrated that this alteration results in abnormal splicing in the set of samples tested (Ambry internal data). As such, this alteration is classified as likely pathogenic.

NM_000051.4(ATM):c.4109+1G>A

Gene: ATM (ATM serine/threonine kinase; plus strand). Cytogenetic location: 11q22.3.
Variant type: single nucleotide variant.
Coding change: c.4109+1G>A on transcript NM_000051.4 (MANE Select); the canonical splice donor site of the intron after coding-DNA position 4109, G replaced by A.
Molecular consequence: splice donor variant.
Genome position (GRCh38, 1-based): chr11:108,287,716, G>A. VCF-style: chr11-108287716-G-A. GRCh37 (hg19) VCF-style: chr11-108158443-G-A.
Other names: c.4109+1G>A (NM_001351834.2).
Identifiers: ClinVar variation 1511460 (VCV001511460.9), dbSNP rs879254034, ClinGen allele CA382528732.